The following is an entry in ClinVar:

NM_000182.5(HADHA):c.1220+1G>T

Genes: HADHA (hydroxyacyl-CoA dehydrogenase trifunctional multienzyme complex subunit alpha; minus strand), GAREM2 (GRB2 associated regulator of MAPK1 subtype 2; plus strand). Cytogenetic location: 2p23.3.
Variant type: single nucleotide variant.
Coding change: c.1220+1G>T on transcript NM_000182.5 (MANE Select); the canonical splice donor site of the intron after coding-DNA position 1220, G replaced by T.
Molecular consequence: splice donor variant.
Genome position (GRCh38, 1-based): chr2:26,204,061, C>A on the plus strand (G>T on the coding strand, the complement: HADHA is on the minus strand). VCF-style: chr2-26204061-C-A. GRCh37 (hg19) VCF-style: chr2-26426930-C-A.
Identifiers: ClinVar variation 2934549 (VCV002934549.3), dbSNP rs2465540650, ClinGen allele CA346128512.

ClinVar aggregate classification (germline): Likely pathogenic (1 of 4 stars; one submission).

Conditions:
Mitochondrial trifunctional protein deficiency. Identifiers: Orphanet 746, MedGen C1969443, MONDO:0012172.
Long chain 3-hydroxyacyl-CoA dehydrogenase deficiency. Also called: Deficiency of long-chain 3-hydroxyacyl-coenzyme A dehydrogenase; LCHAD Deficiency. Identifiers: Orphanet 5, MedGen C3711645, MONDO:0012173, OMIM 609016.

Submission:

Labcorp Genetics (formerly Invitae), Labcorp
Classification: Likely pathogenic for Mitochondrial trifunctional protein deficiency; Long chain 3-hydroxyacyl-CoA dehydrogenase deficiency. Last evaluated: 2023-11-20. Review status: criteria provided, single submitter. Criteria: Invitae Variant Classification Sherloc (09022015). Collection method: clinical testing. Allele origin: germline.
Comment: This sequence change affects a donor splice site in intron 12 of the HADHA gene. It is expected to disrupt RNA splicing. Variants that disrupt the donor or acceptor splice site typically lead to a loss of protein function (PMID: 16199547), and loss-of-function variants in HADHA are known to be pathogenic (PMID: 7738175, 21103935, 21549624, 22459206). This variant is not present in population databases (gnomAD no frequency). This variant has not been reported in the literature in individuals affected with HADHA-related conditions. Algorithms developed to predict the effect of sequence changes on RNA splicing suggest that this variant may disrupt the consensus splice site. In summary, the currently available evidence indicates that the variant is pathogenic, but additional data are needed to prove that conclusively. Therefore, this variant has been classified as Likely Pathogenic.

Literature cited by the submitters: PubMed 16199547; PubMed 7738175; PubMed 21103935; PubMed 21549624; PubMed 22459206.